The following is an entry in ClinVar:

ClinVar aggregate classification (germline): Likely benign (0 of 4 stars; one submission).

Conditions:
BDNF-related disorder. Also called: BDNF-related condition.

Submission:

PreventionGenetics, part of Exact Sciences
Classification: Likely benign for BDNF-related condition. Last evaluated: 2020-10-26. Review status: no assertion criteria provided. Collection method: clinical testing. Allele origin: germline.
Comment: This variant is classified as likely benign based on ACMG/AMP sequence variant interpretation guidelines (Richards et al. 2015 PMID: 25741868, with internal and published modifications).

NM_001709.5(BDNF):c.360A>G (p.Ala120=)

Genes: BDNF (brain derived neurotrophic factor; minus strand), BDNF-AS (BDNF antisense RNA; plus strand). Cytogenetic location: 11p14.1.
Variant type: single nucleotide variant.
Coding change: c.360A>G on transcript NM_001709.5 (MANE Select); coding-DNA position 360, A replaced by G.
Protein change: p.Ala120=; no amino-acid change (alanine 120 retained).
Molecular consequence: synonymous variant.
Genome position (GRCh38, 1-based): chr11:27,658,205, T>C on the plus strand (A>G on the coding strand, the complement: BDNF is on the minus strand). VCF-style: chr11-27658205-T-C. GRCh37 (hg19) VCF-style: chr11-27679752-T-C.
Other names: c.360A>G, p.Ala120= (NM_001143805.1, NM_001143806.1, NM_001143807.2 and 9 more transcripts); c.447A>G, p.Ala149= (NM_001143809.2); c.606A>G, p.Ala202= (NM_001143810.2); c.384A>G, p.Ala128= (NM_170731.5); c.405A>G, p.Ala135= (NM_170734.4).
Identifiers: ClinVar variation 3350531 (VCV003350531.1).